The following is an entry in ClinVar:

NM_004977.3(KCNC3):c.1404C>T (p.Tyr468=)

Gene: KCNC3 (potassium voltage-gated channel subfamily C member 3; minus strand). Cytogenetic location: 19q13.33.
Variant type: single nucleotide variant.
Coding change: c.1404C>T on transcript NM_004977.3 (MANE Select); coding-DNA position 1404, C replaced by T.
Protein change: p.Tyr468=; no amino-acid change (tyrosine 468 retained).
Molecular consequence: synonymous variant.
Genome position (GRCh38, 1-based): chr19:50,323,549, G>A on the plus strand (C>T on the coding strand, the complement: KCNC3 is on the minus strand). VCF-style: chr19-50323549-G-A. GRCh37 (hg19) VCF-style: chr19-50826806-G-A.
Other names: c.1176C>T, p.Tyr392= (NM_001372305.1).
Identifiers: ClinVar variation 586080 (VCV000586080.38), dbSNP rs35578310, ClinGen allele CA9594242.

ClinVar aggregate classification (germline): Benign/Likely benign. Review status: criteria provided, multiple submitters, no conflicts (2 of 4 stars). 4 submissions from 4 submitters: Benign (3); Likely benign (1). Last evaluated 2026-03-01.

Allele frequency attached by ClinVar (database versions not stated): gnomAD exomes 0.00144 and 0.00068; 1000 Genomes Project 30x 0.00219; 1000 Genomes Project 0.00240; ExAC 0.00139; gnomAD 0.00273 and 0.00287; ESP Exome Variant Server 0.00300; TOPMed 0.00309.

Submissions (4):

CeGaT Center for Human Genetics Tuebingen
Classification: Likely benign. Last evaluated: 2026-03-01. Review status: criteria provided, single submitter. Criteria: CeGaT Center For Human Genetics Tuebingen Variant Classification Criteria Version 2. Collection method: clinical testing. Allele origin: germline. Affected: yes. Observed: 4 variant alleles.
Comment: KCNC3: BP4, BP7

Labcorp Genetics (formerly Invitae), Labcorp
Classification: Benign. Last evaluated: 2025-11-02. Review status: criteria provided, single submitter. Criteria: Invitae Variant Classification Sherloc (09022015). Collection method: clinical testing. Allele origin: germline.

Athena Diagnostics
Classification: Benign. Last evaluated: 2018-06-04. Review status: criteria provided, single submitter. Criteria: Athena Diagnostics Criteria. Collection method: clinical testing. Allele origin: germline.

Breakthrough Genomics
Classification: Benign. Review status: criteria provided, single submitter. Criteria: ACMG Guidelines, 2015. Collection method: not provided. Allele origin: germline. Inheritance: Autosomal dominant inheritance. Affected: yes.

Literature cited by the submitters: PubMed 21479265 (cited by Athena Diagnostics).